The following is an entry in ClinVar:

NM_138477.2(CDAN1):c.2015C>T (p.Pro672Leu)

Gene: CDAN1 (codanin 1; minus strand). Cytogenetic location: 15q15.2.
Variant type: single nucleotide variant.
Coding change: c.2015C>T on transcript NM_138477.2; coding-DNA position 2015, C replaced by T.
Protein change: p.Pro672Leu; replaces proline 672 with leucine.
Molecular consequence: missense variant (on NM_138477.4).
Genome position (GRCh38, 1-based): chr15:42,730,757, G>A on the plus strand (C>T on the coding strand, the complement: CDAN1 is on the minus strand). VCF-style: chr15-42730757-G-A. GRCh37 (hg19) VCF-style: chr15-43022955-G-A.
Other names: CDAN1, PRO671LEU; p.Pro672Leu; c.2015C>T, p.Pro672Leu (NM_138477.4, LRG_1164t1); short protein forms P672L.
Identifiers: ClinVar variation 3179 (VCV000003179.26), dbSNP rs120074167, ClinGen allele CA342447.
Genomic context (GRCh38, chr15:42,730,757, plus strand): 5'-GTGAGCACCGCCCGGCGGGCCTGCAGCCCTCGCTGCAGCAGAGTCCGCACATCCAGGACC[G>A]GAGGGACCTGGGAGGGCCAGAGCTCAGTCAGGGGGCAGGTCCCTAGGAAGGGCTGGGAGA-3'
Protein context (NP_612486.2, residues 662-682): SILALRSQVP[Pro672Leu]VLDVRTLLQR

ClinVar aggregate classification (germline): Pathogenic/Likely pathogenic. Review status: criteria provided, multiple submitters, no conflicts (2 of 4 stars). 11 submissions from 11 submitters: Pathogenic (4); Likely pathogenic (5). 2 of the submissions do not count toward it. Last evaluated 2026-01-08.

Conditions:
CDAN1-related disorder. Also called: CDAN1-related condition.
Anemia, congenital dyserythropoietic, type 1a (CDAN1A). Also called: DYSERYTHROPOIETIC ANEMIA, CONGENITAL, TYPE Ia; CDAN1-Related Congenital Dyserythropoietic Anemia. Identifiers: MedGen C5574667, MONDO:0009135, OMIM 224120.
Congenital dyserythropoietic anemia, type I. Also called: Dyserythropoietic anemia, congenital type 1. Identifiers: Orphanet 98869, MedGen C0271933, MONDO:0020337. Disease mechanism: loss of function.

Allele frequency attached by ClinVar (database versions not stated): ExAC 0.00008; gnomAD exomes 0.00008 and 0.00017; TOPMed 0.00010; gnomAD 0.00013.
gnomAD v4.1: 254 of 1,611,904 alleles (0.016%); highest among the groups gnomAD compares: Non-Finnish European, 0.021%; no homozygotes.

Submissions (11):

Labcorp Genetics (formerly Invitae), Labcorp
Classification: Pathogenic. Last evaluated: 2026-01-08. Review status: criteria provided, single submitter. Criteria: Invitae Variant Classification Sherloc (09022015). Collection method: clinical testing. Allele origin: germline.
Comment: This sequence change replaces proline, which is neutral and non-polar, with leucine, which is neutral and non-polar, at codon 672 of the CDAN1 protein (p.Pro672Leu). This variant is present in population databases (rs120074167, gnomAD 0.01%). This missense change has been observed in individual(s) with congenital dyserythropoietic anemia type I (PMID: 12434312, 31900952, 33401150). In at least one individual the data is consistent with being in trans (on the opposite chromosome) from a pathogenic variant. This variant is also known as 2129C>T, Pro671Leu. ClinVar contains an entry for this variant (Variation ID: 3179). An algorithm developed to predict the effect of missense changes on protein structure and function (PolyPhen-2) suggests that this variant is likely to be disruptive. For these reasons, this variant has been classified as Pathogenic.

Laboratory of Genetics, Children's Clinical University Hospital Latvia
Classification: Likely pathogenic. Last evaluated: 2025-02-16. Review status: criteria provided, single submitter. Criteria: ACMG Guidelines, 2015. Collection method: clinical testing. Allele origin: germline. Affected: yes.

Revvity Omics, Revvity
Classification: Likely pathogenic for Anemia, congenital dyserythropoietic, type 1a. Last evaluated: 2024-07-28. Review status: criteria provided, single submitter. Criteria: ACMG Guidelines, 2015. Collection method: clinical testing. Allele origin: germline.

Blueprint Genetics
Classification: Pathogenic for CDAN1-related disorders. Last evaluated: 2024-06-18. Review status: criteria provided, single submitter. Criteria: ACMG Guidelines, 2015. Collection method: clinical testing. Allele origin: germline. Affected: yes. Observed: 5 variant alleles.

GeneDx
Classification: Likely pathogenic. Last evaluated: 2024-04-15. Review status: criteria provided, single submitter. Criteria: GeneDx Variant Classification Process June 2021. Collection method: clinical testing. Allele origin: germline. Affected: yes.
Comment: In silico analysis supports that this missense variant has a deleterious effect on protein structure/function; This variant is associated with the following publications: (PMID: 27432187, 20301759, 16098079, 31900952, 32518175, 29797310, 23065504, 12434312, 35417566, 28102861, 33401150)

Mayo Clinic Laboratories, Mayo Clinic
Classification: Likely pathogenic. Last evaluated: 2023-11-06. Review status: criteria provided, single submitter. Criteria: ACMG Guidelines, 2015. Collection method: clinical testing. Allele origin: germline.

ARUP Laboratories, Molecular Genetics and Genomics, ARUP Laboratories
Classification: Likely pathogenic for Anemia, congenital dyserythropoietic, type 1a. Last evaluated: 2023-02-01. Review status: criteria provided, single submitter. Criteria: ARUP Molecular Germline Variant Investigation Process 2024. Collection method: clinical testing. Allele origin: germline.
Comment: The CDAN1 c.2015C>T; p.Pro672Leu variant (rs120074167) is reported as a compound heterozygous variant with other pathogenic CDAN1 variants in the literature in several individuals affected with congenital dyserythropoietic anemia (CDA) type I (Dgany 2002, Garcia-Zamora 2020, Muramatsu 2017, Niss 2021, Olijnik 2021, Scott 2022). This variant is also reported in ClinVar (Variation ID: 3179). This variant is found predominantly in the non-Finnish European population with an allele frequency of 0.01% (17/121,360 alleles) in the Genome Aggregation Database. Computational analyses predict that this variant is deleterious (REVEL: 0.826). Based on available information, this variant is considered to be likely pathogenic. REFERENCES Dgany O et al. Congenital dyserythropoietic anemia type I is caused by mutations in codanin-1. Am J Hum Genet. 2002 Dec. PMID: 12434312 Garcia-Zamora E et al. Congenital dyserythropoietic anaemia type I with nails and bone abnormalities. Clinical and experimental dermatology. 2020 Jun. PMID: 31900952 Muramatsu H et al. Clinical utility of next-generation sequencing for inherited bone marrow failure syndromes. Genet Med. 2017 Jul. PMID: 28102861 Niss O et al. Congenital dyserythropoietic anemia type I: First report from the Congenital Dyserythropoietic Anemia Registry of North America (CDAR). Blood Cells Mol Dis. 2021 Mar. PMID: 33401150 Olijnik AA et al. Genetic and functional insights into CDA-I prevalence and pathogenesis. J Med Genet. 2021 Mar. PMID: 32518175 Scott C et al. Functional impairment of erythropoiesis in Congenital Dyserythropoietic Anaemia type I arises at the progenitor level. Br J Haematol. 2022 Jul. PMID: 35417566

Genetics and Molecular Pathology, SA Pathology
Classification: Pathogenic for Anemia, congenital dyserythropoietic, type 1a. Last evaluated: 2022-06-03. Review status: criteria provided, single submitter. Criteria: ACMG Guidelines, 2015. Collection method: clinical testing. Allele origin: germline. Inheritance: Autosomal recessive inheritance. Affected: yes.

Institute of Human Genetics Munich, TUM University Hospital
Classification: Pathogenic for Anemia, congenital dyserythropoietic, type 1a. Last evaluated: 2018-01-04. Review status: criteria provided, single submitter. Criteria: Classification criteria August 2017. Collection method: clinical testing. Allele origin: germline. Inheritance: Autosomal recessive inheritance. Affected: yes. Observed: 1 compound heterozygote.

GeneReviews
Classification: Pathogenic for Congenital Dyserythropoietic Anemia Type I. Last evaluated: 2011-09-01. Review status: no assertion criteria provided. Collection method: curation. Allele origin: unknown. Not counted in ClinVar's aggregate classification.
ClinVar note: Converted during submission from pathologic to Pathogenic.

OMIM
Classification: Pathogenic for ANEMIA, CONGENITAL DYSERYTHROPOIETIC, TYPE Ia. Last evaluated: 2002-12-01. Review status: no assertion criteria provided. Collection method: literature only. Allele origin: germline. Not counted in ClinVar's aggregate classification.

Literature cited by the submitters: PubMed 12434312 (cited by 3 submitters); PubMed 31900952 (cited by Labcorp Genetics (formerly Invitae), Labcorp); PubMed 33401150 (cited by Labcorp Genetics (formerly Invitae), Labcorp and Mayo Clinic Laboratories, Mayo Clinic); PubMed 16141353 (cited by Mayo Clinic Laboratories, Mayo Clinic); PubMed 20301759 (cited by Mayo Clinic Laboratories, Mayo Clinic); PubMed 27432187 (cited by Mayo Clinic Laboratories, Mayo Clinic); PubMed 28102861 (cited by Mayo Clinic Laboratories, Mayo Clinic); PubMed 32518175 (cited by Mayo Clinic Laboratories, Mayo Clinic).